The following is an entry in ClinVar:

NM_005045.4(RELN):c.3131A>T (p.Asp1044Val)

Gene: RELN (reelin; minus strand). Cytogenetic location: 7q22.1.
Variant type: single nucleotide variant.
Coding change: c.3131A>T on transcript NM_005045.4 (MANE Select); coding-DNA position 3131, A replaced by T.
Protein change: p.Asp1044Val; replaces aspartic acid 1044 with valine.
Molecular consequence: missense variant.
Genome position (GRCh38, 1-based): chr7:103,604,361, T>A on the plus strand (A>T on the coding strand, the complement: RELN is on the minus strand). VCF-style: chr7-103604361-T-A. GRCh37 (hg19) VCF-style: chr7-103244808-T-A.
Other names: c.3131A>T, p.Asp1044Val (NM_173054.3); short protein forms D1044V.
Identifiers: ClinVar variation 1395389 (VCV001395389.6), dbSNP rs2117274001, ClinGen allele CA368763658.

ClinVar aggregate classification (germline): Uncertain significance (1 of 4 stars; one submission).

Conditions:
Norman-Roberts syndrome (LIS2). Also called: Lissencephaly 2 (Norman-Roberts type). Identifiers: Orphanet 89844, MedGen C0796089, MONDO:0009760, OMIM 257320.
Familial temporal lobe epilepsy 7. Identifiers: Orphanet 101046, MedGen C4225327, MONDO:0014639, OMIM 616436.

Submission:

Labcorp Genetics (formerly Invitae), Labcorp
Classification: Uncertain significance for Familial temporal lobe epilepsy 7; Norman-Roberts syndrome. Last evaluated: 2021-11-27. Review status: criteria provided, single submitter. Criteria: Invitae Variant Classification Sherloc (09022015). Collection method: clinical testing. Allele origin: germline.
Comment: In summary, the available evidence is currently insufficient to determine the role of this variant in disease. Therefore, it has been classified as a Variant of Uncertain Significance. Algorithms developed to predict the effect of missense changes on protein structure and function are either unavailable or do not agree on the potential impact of this missense change (SIFT: "Deleterious"; PolyPhen-2: "Benign"; Align-GVGD: "Class C0"). This variant has not been reported in the literature in individuals affected with RELN-related conditions. This variant is not present in population databases (gnomAD no frequency). This sequence change replaces aspartic acid, which is acidic and polar, with valine, which is neutral and non-polar, at codon 1044 of the RELN protein (p.Asp1044Val).